The following is an entry in ClinVar:

ClinVar aggregate classification (germline): Uncertain significance (1 of 4 stars; one submission).

Allele frequency attached by ClinVar (database versions not stated): gnomAD exomes below 0.00001.
gnomAD v4.1: 1 of 1,611,434 alleles (0.000062%); highest among the groups gnomAD compares: Admixed American, 0.0017%; no homozygotes.

Submission:

Labcorp Genetics (formerly Invitae), Labcorp
Classification: Uncertain significance. Last evaluated: 2023-10-17. Review status: criteria provided, single submitter. Criteria: Invitae Variant Classification Sherloc (09022015). Collection method: clinical testing. Allele origin: germline.
Comment: This sequence change replaces glutamic acid, which is acidic and polar, with alanine, which is neutral and non-polar, at codon 1283 of the COL11A1 protein (p.Glu1283Ala). This variant is present in population databases (no rsID available, gnomAD no frequency). This variant has not been reported in the literature in individuals affected with COL11A1-related conditions. Advanced modeling of protein sequence and biophysical properties (such as structural, functional, and spatial information, amino acid conservation, physicochemical variation, residue mobility, and thermodynamic stability) has been performed at Invitae for this missense variant, however the output from this modeling did not meet the statistical confidence thresholds required to predict the impact of this variant on COL11A1 protein function. In summary, the available evidence is currently insufficient to determine the role of this variant in disease. Therefore, it has been classified as a Variant of Uncertain Significance.

NM_001854.4(COL11A1):c.3848A>C (p.Glu1283Ala)

Gene: COL11A1 (collagen type XI alpha 1 chain; minus strand). Cytogenetic location: 1p21.1.
Variant type: single nucleotide variant.
Coding change: c.3848A>C on transcript NM_001854.4 (MANE Select); coding-DNA position 3848, A replaced by C.
Protein change: p.Glu1283Ala; replaces glutamic acid 1283 with alanine.
Molecular consequence: missense variant. On other transcripts: non-coding transcript variant (1).
Genome position (GRCh38, 1-based): chr1:102,914,780, T>G on the plus strand (A>C on the coding strand, the complement: COL11A1 is on the minus strand). VCF-style: chr1-102914780-T-G. GRCh37 (hg19) VCF-style: chr1-103380336-T-G.
Other names: c.3500A>C, p.Glu1167Ala (NM_001168249.1, NM_080630.4); c.3731A>C, p.Glu1244Ala (NM_001190709.2); c.3884A>C, p.Glu1295Ala (NM_080629.3); short protein forms E1167A, E1295A, E1283A, E1244A.
Identifiers: ClinVar variation 2976279 (VCV002976279.3), dbSNP rs1474826014, ClinGen allele CA341161569.
Genomic context (GRCh38, chr1:102,914,780, plus strand): 5'-CCATCATCACCTGGTGGCCCCTTGGCACCTGGAGGTCCAGCAGCTCCAGGTGGACCAGCT[T>G]CCCCTTTCTCTCCTCTTTCTCCTTTGGGACCCTAAACAATGTTAAAAAAAAAAAAAGAAG-3'
Protein context (NP_001845.3, residues 1273-1293): GPKGERGEKG[Glu1283Ala]AGPPGAAGPP